The following is an entry in ClinVar:

ClinVar aggregate classification (germline): Pathogenic. Review status: criteria provided, multiple submitters, no conflicts (2 of 4 stars). 7 submissions from 7 submitters: Pathogenic (6). 1 of the submissions does not count toward it. Last evaluated 2024-05-23.

Conditions:
Hereditary cancer-predisposing syndrome. Also called: Hereditary neoplastic syndrome; Tumor predisposition; Neoplastic Syndromes, Hereditary; Hereditary Cancer Syndrome. Identifiers: Orphanet 140162, MedGen C0027672, MeSH D009386, MONDO:0015356.
Familial adenomatous polyposis 1 (FAP1). Also called: POLYPOSIS, ADENOMATOUS INTESTINAL; FAMILIAL ADENOMATOUS POLYPOSIS 1, ATTENUATED. Identifiers: MedGen C2713442, MONDO:0021056, OMIM 175100. Disease mechanism: loss of function.
Carcinoma of colon (CRC). Also called: Colon carcinoma; Colonic carcinoma. Identifiers: MedGen C0699790, MONDO:0002032.

Submissions (7):

Color Diagnostics, LLC DBA Color Health
Classification: Pathogenic for Hereditary cancer-predisposing syndrome. Last evaluated: 2024-05-23. Review status: criteria provided, single submitter. Criteria: ACMG Guidelines, 2015. Collection method: clinical testing. Allele origin: germline.
Comment: This variant changes the last nucleotide c.G of exon 12 of the APC gene and is predicted to impair RNA splicing at the intron 12 donor site. RT-PCR and minigene RNA analysis have shown that this variant causes out-of-frame skipping of exon 12 (coding exon 11) (PMID: 20685668, 24599579). This variant is expected to result in an absent or non-functional protein product. This variant has been reported in at least nine familial adenomatous polyposis kindreds (PMID: 8990002, 15300853, 15459959, 17489848, 20685668, 20564245, 22941256, 27000756). This variant has not been identified in the general population by the Genome Aggregation Database (gnomAD). Loss of APC function is a known mechanism of disease. Based on the available evidence, this variant is classified as Pathogenic.

Labcorp Genetics (formerly Invitae), Labcorp
Classification: Pathogenic for Familial adenomatous polyposis 1. Last evaluated: 2023-08-17. Review status: criteria provided, single submitter. Criteria: Invitae Variant Classification Sherloc (09022015). Collection method: clinical testing. Allele origin: germline.
Comment: For these reasons, this variant has been classified as Pathogenic. This sequence change replaces lysine, which is basic and polar, with asparagine, which is neutral and polar, at codon 516 of the APC protein (p.Lys516Asn). RNA analysis indicates that this missense change induces altered splicing and may result in an absent or disrupted protein product. This variant is not present in population databases (gnomAD no frequency). This missense change has been observed in individuals with familial adenomatous polyposis (PMID: 8990002, 15300853, 15459959, 17489848, 20685668, 27000756). It has also been observed to segregate with disease in related individuals. ClinVar contains an entry for this variant (Variation ID: 246087). An algorithm developed to predict the effect of missense changes on protein structure and function (PolyPhen-2) suggests that this variant is likely to be disruptive. Variants that disrupt the consensus splice site are a relatively common cause of aberrant splicing (PMID: 17576681, 9536098). Studies have shown that this missense change results in skipping of exon 12 (also known as exon 11) and introduces a premature termination codon (PMID: 20685668, 24599579; Invitae). The resulting mRNA is expected to undergo nonsense-mediated decay.

Myriad Genetics, Inc.
Classification: Pathogenic for Familial adenomatous polyposis 1. Last evaluated: 2023-06-15. Review status: criteria provided, single submitter. Criteria: Myriad Autosomal Dominant, Autosomal Recessive and X-Linked Classification Criteria (2023). Collection method: clinical testing. Allele origin: unknown.
Comment: This variant is considered pathogenic. mRNA analysis has demonstrated abnormal mRNA splicing occurs [PMID: 17726045, Myriad internal data]. This variant has been reported in multiple individuals with clinical features of gene-specific disease [19196998, 20685668].

Ambry Genetics
Classification: Pathogenic for Hereditary cancer-predisposing syndrome. Last evaluated: 2023-05-24. Review status: criteria provided, single submitter. Criteria: Ambry Variant Classification Scheme 2023. Collection method: clinical testing. Allele origin: germline.
Comment: The c.1548G>C pathogenic mutation (also known as p.K516N), located in coding exon 11 of the APC gene, results from a G to C substitution at nucleotide position 1548. The amino acid change results in lysine to asparagine at codon 516, an amino acid with similar properties. However, this change occurs in the last base pair of coding exon 11, which makes it likely to have some effect on normal mRNA splicing. This mutation was originally reported in 2 unrelated Dutch FAP families (van der Luijt et al. Hum Mutat. 1997;9(1):7-16), and has since been reported in multiple FAP kindreds to date (Aretz S et al. Hum Mutat. 2004 Nov;24(5):370-80; Nielsen M et al. Clin Genet. 2007 May;71(5):427-33; Crobach S et al. Fam. Cancer 2012 Dec;11(4):671-3; Liu Q et al. Tumour Biol. 2016 Mar). In silico splice site analysis predicts that this alteration will result in the creation or strengthening of a novel splice donor site. However, one study found that a different alteration at the same location, c.1548G>A, caused complete skipping of exon 11 at the mRNA level (Kaufmann A et al. J Mol Diagn. 2009 Mar;11(2):131-9). Based on the supporting evidence, this alteration is interpreted as a disease-causing mutation.

GeneDx
Classification: Pathogenic. Last evaluated: 2022-02-18. Review status: criteria provided, single submitter. Criteria: GeneDx Variant Classification Process June 2021. Collection method: clinical testing. Allele origin: germline. Affected: yes.
Comment: Variant at the last nucleotide of the exon demonstrated to result in protein truncation or nonsense mediated decay in a gene for which loss-of-function is a known mechanism of disease (Lagarde 2010, Grandval 2014); Not observed at significant frequency in large population cohorts (gnomAD); Identified in patients with a personal and/or family history consistent with pathogenic variants in this gene referred for genetic testing at GeneDx and in published literature (van der Luijt 1997, Aretz 2004, Nielsen 2007, Crobach 2012, Liu 2016); This variant is associated with the following publications: (PMID: 15459959, 15300853, 21859464, 20564245, 20223039, 8990002, 27000756, 22000517, 20685668, 17489848, 20513532, 29901124, 22941256, 30414835, 18199528, 24599579)

Clinical Genetics and Genomics, Karolinska University Hospital
Classification: Pathogenic. Last evaluated: 2016-01-14. Review status: criteria provided, single submitter. Criteria: ACMG Guidelines, 2015. Collection method: clinical testing. Allele origin: germline. Affected: yes. Observed: 1 variant allele.

Department of Pathology and Laboratory Medicine, Sinai Health System
Classification: Pathogenic for Carcinoma of colon. Review status: no assertion criteria provided. Collection method: clinical testing. Allele origin: unknown. Affected: yes. Study: The Canadian Open Genetics Repository (COGR). Not counted in ClinVar's aggregate classification.
Comment: The p.Lys516Asn variant was identified in 7 of 3860 proband chromosomes (frequency: 0.002) from individuals or families with FAP or Attenuated-FAP, and was not identified in control chromosomes from healthy individuals (Nielsen 2007, Cowie 2004, Miclea 2010, Aretz 2004 15, van der Luijt 1997). The variant was also identified by our laboratory in 3 individuals with disease status not confirmed. The p.Lys516Asn variant was identified in the UMD Colon Genes database 11x and classified as causal and in the InSIGHT Colon cancer database, the variant was identified 6x and was classified 4x as pathogenic and 2x as unknown. The variant was not identified in the dbSNP nor in NHLBI Exome Sequencing Project (Exome Variant Server), Exome Aggregation Consortium (ExAC) database, COSMIC, MutDB, â€šÃ„ÃºZhejiang Colon Cancer Databaseâ€šÃ„Ã¹, the ClinVar database, Clinvitae and GeneInsight COGR databases. The p.Lys516 residue is conserved across mammals and lower organisms, and four out of five computational analyses (PolyPhen-2, SIFT, AlignGVGD, BLOSUM, MutationTaster) suggest that the Asparagine (Asn) variant may impact the protein. However, this information is not predictive enough to assume pathogenicity. The c.1548G>C variant occurs in the last base of the exon. This position has been shown to be part of the splicing consensus sequence and variants involving this position can affect splicing. In addition, 4 of 5 in silico or computational prediction software programs (SpliceSiteFinder, MaxEntScan, NNSPLICE, GeneSplicer and HumanSpliceFinder) predict a greater than 10% difference in splicing. In one family, 17 patients were reported, there were more than 2 affected generations and 9 individuals had confirmed colon cancer, 2 had greater than 100 polyps and 10 had 10-100 polyps (Nielsen 2007). In addition, another variant at the same position c.1548G>A, was reported in one individual with FAP and transcript analysis demonstrated that the variant leads to complete skipping of exon 11 of the APC gene (c.1548G>A; r.1409_1548del; p.Gly471Tyrfs*19), increasing the likelihood that the c.1548G>C variant may result in aberrant splicing (Kaufmann 2009). In summary, based on the above information, this variant meets our laboratoryâ€šÃ„Ã´s criteria to be classified as pathogenic.

Literature cited by the submitters: PubMed 8990002 (cited by 3 submitters); PubMed 15300853 (cited by 3 submitters); PubMed 15459959 (cited by 3 submitters); PubMed 17489848 (cited by 3 submitters); PubMed 20564245 (cited by Color Diagnostics, LLC DBA Color Health); PubMed 20685668 (cited by 3 submitters); PubMed 22941256 (cited by Color Diagnostics, LLC DBA Color Health and Ambry Genetics); PubMed 24599579 (cited by 3 submitters); PubMed 27000756 (cited by 3 submitters); PubMed 17576681 (cited by Labcorp Genetics (formerly Invitae), Labcorp); PubMed 9536098 (cited by Labcorp Genetics (formerly Invitae), Labcorp); PubMed 17726045 (cited by Myriad Genetics, Inc.); PubMed 19196998 (cited by Myriad Genetics, Inc. and Ambry Genetics); PubMed 21859464 (cited by Ambry Genetics); PubMed 29901124 (cited by Ambry Genetics).

NM_000038.6(APC):c.1548G>C (p.Lys516Asn)

Gene: APC (APC regulator of Wnt signaling pathway; plus strand). Cytogenetic location: 5q22.2.
Variant type: single nucleotide variant.
Coding change: c.1548G>C on transcript NM_000038.6 (MANE Select); coding-DNA position 1548, G replaced by C.
Protein change: p.Lys516Asn; replaces lysine 516 with asparagine.
Molecular consequence: missense variant.
Genome position (GRCh38, 1-based): chr5:112,827,247, G>C. VCF-style: chr5-112827247-G-C. GRCh37 (hg19) VCF-style: chr5-112162944-G-C.
Other names: c.1548G>C, p.Lys516Asn (NM_001127510.3, NM_001354895.2); c.1494G>C, p.Lys498Asn (NM_001127511.3); c.1602G>C, p.Lys534Asn (NM_001354896.2); c.1578G>C, p.Lys526Asn (NM_001354897.2); c.1473G>C, p.Lys491Asn (NM_001354898.2); c.1464G>C, p.Lys488Asn (NM_001354899.2); c.1425G>C, p.Lys475Asn (NM_001354900.2); c.1371G>C, p.Lys457Asn (NM_001354901.2); and 5 more; short protein forms K498N, K516N, K415N, K475N, K526N, K534N, K390N, K356N.
Identifiers: ClinVar variation 246087 (VCV000246087.22), dbSNP rs879254090, ClinGen allele CA10584241.